The following is an entry in ClinVar:

ClinVar aggregate classification (germline): Uncertain significance. Review status: criteria provided, multiple submitters, no conflicts (2 of 4 stars). 3 submissions from 3 submitters: Uncertain significance (3). Last evaluated 2025-04-02.

Conditions:
Familial adenomatous polyposis 1 (FAP1). Also called: POLYPOSIS, ADENOMATOUS INTESTINAL; FAMILIAL ADENOMATOUS POLYPOSIS 1, ATTENUATED. Identifiers: MedGen C2713442, MONDO:0021056, OMIM 175100. Disease mechanism: loss of function.
Hereditary cancer-predisposing syndrome. Also called: Hereditary Cancer Syndrome; Neoplastic Syndromes, Hereditary; Tumor predisposition; Hereditary neoplastic syndrome. Identifiers: Orphanet 140162, MedGen C0027672, MeSH D009386, MONDO:0015356.

Allele frequency attached by ClinVar (database versions not stated): gnomAD exomes below 0.00001; ExAC 0.00001.
gnomAD v4.1: 1 of 1,608,594 alleles (0.000062%); highest among the groups gnomAD compares: Non-Finnish European, 0.000085%; no homozygotes.

Submissions (3):

Labcorp Genetics (formerly Invitae), Labcorp
Classification: Uncertain significance for Familial adenomatous polyposis 1. Last evaluated: 2025-04-02. Review status: criteria provided, single submitter. Criteria: Invitae Variant Classification Sherloc (09022015). Collection method: clinical testing. Allele origin: germline.
Comment: This sequence change replaces glycine, which is neutral and non-polar, with arginine, which is basic and polar, at codon 2827 of the APC protein (p.Gly2827Arg). This variant is present in population databases (rs749104647, gnomAD 0.006%). This variant has not been reported in the literature in individuals affected with APC-related conditions. ClinVar contains an entry for this variant (Variation ID: 489507). Invitae Evidence Modeling of protein sequence and biophysical properties (such as structural, functional, and spatial information, amino acid conservation, physicochemical variation, residue mobility, and thermodynamic stability) indicates that this missense variant is not expected to disrupt APC protein function with a negative predictive value of 95%. In summary, the available evidence is currently insufficient to determine the role of this variant in disease. Therefore, it has been classified as a Variant of Uncertain Significance.

Ambry Genetics
Classification: Uncertain significance for Hereditary cancer-predisposing syndrome. Last evaluated: 2023-12-08. Review status: criteria provided, single submitter. Criteria: Ambry Variant Classification Scheme 2023. Collection method: clinical testing. Allele origin: germline.
Comment: The p.G2827R variant (also known as c.8479G>A), located in coding exon 15 of the APC gene, results from a G to A substitution at nucleotide position 8479. The glycine at codon 2827 is replaced by arginine, an amino acid with dissimilar properties. This amino acid position is conserved. In addition, in silico predictors for this gene do not accurately predict pathogenicity. Since supporting evidence is limited at this time, the clinical significance of this alteration remains unclear.

Color Diagnostics, LLC DBA Color Health
Classification: Uncertain significance for Hereditary cancer-predisposing syndrome. Last evaluated: 2023-12-05. Review status: criteria provided, single submitter. Criteria: ACMG Guidelines, 2015. Collection method: clinical testing. Allele origin: germline.
Comment: This missense variant replaces glycine with arginine at codon 2827 of the APC protein. Computational prediction is inconclusive regarding the impact of this variant on protein structure and function (internally defined REVEL score threshold 0.5 < inconclusive < 0.7, PMID: 27666373). To our knowledge, functional studies have not been reported for this variant. This variant has not been reported in individuals affected with APC-related disorders in the literature. This variant has been identified in 1/244260 chromosomes in the general population by the Genome Aggregation Database (gnomAD). The available evidence is insufficient to determine the role of this variant in disease conclusively. Therefore, this variant is classified as a Variant of Uncertain Significance.

NM_000038.6(APC):c.8479G>A (p.Gly2827Arg)

Gene: APC (APC regulator of Wnt signaling pathway; plus strand). Cytogenetic location: 5q22.2.
Variant type: single nucleotide variant.
Coding change: c.8479G>A on transcript NM_000038.6 (MANE Select); coding-DNA position 8479, G replaced by A.
Protein change: p.Gly2827Arg; replaces glycine 2827 with arginine.
Molecular consequence: missense variant.
Genome position (GRCh38, 1-based): chr5:112,844,073, G>A. VCF-style: chr5-112844073-G-A. GRCh37 (hg19) VCF-style: chr5-112179770-G-A.
Other names: c.8479G>A, p.Gly2827Arg (NM_001127510.3, NM_001354895.2); c.8425G>A, p.Gly2809Arg (NM_001127511.3); c.8533G>A, p.Gly2845Arg (NM_001354896.2); c.8509G>A, p.Gly2837Arg (NM_001354897.2); c.8404G>A, p.Gly2802Arg (NM_001354898.2); c.8395G>A, p.Gly2799Arg (NM_001354899.2); c.8356G>A, p.Gly2786Arg (NM_001354900.2); c.8302G>A, p.Gly2768Arg (NM_001354901.2); and 5 more; short protein forms G2809R, G2827R, G2726R, G2837R, G2701R, G2768R, G2845R, G2544R.
Identifiers: ClinVar variation 489507 (VCV000489507.13), dbSNP rs749104647, ClinGen allele CA050875.